The following is an entry in ClinVar:

NM_001165963.4(SCN1A):c.257del (p.Asn86fs)

Gene: SCN1A (sodium voltage-gated channel alpha subunit 1; minus strand). Cytogenetic location: 2q24.3.
Variant type: Deletion.
Coding change: c.257del on transcript NM_001165963.4 (MANE Select); coding-DNA position 257, one base deleted (A; older notation c.257delA).
Protein change: p.Asn86fs; shifts the reading frame from asparagine 86.
Molecular consequence: frameshift variant. On other transcripts: 5 prime UTR variant (1), non-coding transcript variant (1).
Genome position (GRCh38, 1-based): chr2:166,073,365, T deleted on the plus strand (A on the coding strand, the reverse complement: SCN1A is on the minus strand); the first of 2 consecutive T bases (chr2:166,073,365-166,073,366); deleting either gives the same sequence. VCF-style (leftmost placement, unchanged base first): chr2-166073364-AT-A. GRCh37 (hg19) VCF-style: chr2-166929874-AT-A.
Other names: c.257del, p.Asn86fs (NM_001165964.3, NM_001202435.3, NM_001353948.2 and 10 more transcripts); c.-2169del (NM_001353961.2); short protein forms N86fs.
Identifiers: ClinVar variation 2854027 (VCV002854027.3), dbSNP rs2468363505, ClinGen allele CA2739271615.

ClinVar aggregate classification (germline): Pathogenic (1 of 4 stars; one submission).

Conditions:
Early-infantile DEE. Also called: Ohtahara syndrome; Early infantile epileptic encephalopathy with suppression bursts; Early infantile epileptic encephalopathy. Identifiers: Orphanet 1934, MedGen C0393706, MONDO:0800491.

Submission:

Labcorp Genetics (formerly Invitae), Labcorp
Classification: Pathogenic for Early-infantile DEE. Last evaluated: 2023-04-09. Review status: criteria provided, single submitter. Criteria: Invitae Variant Classification Sherloc (09022015). Collection method: clinical testing. Allele origin: germline.
Comment: For these reasons, this variant has been classified as Pathogenic. This variant has not been reported in the literature in individuals affected with SCN1A-related conditions. This variant is not present in population databases (gnomAD no frequency). This sequence change creates a premature translational stop signal (p.Asn86Ilefs*6) in the SCN1A gene. It is expected to result in an absent or disrupted protein product. Loss-of-function variants in SCN1A are known to be pathogenic (PMID: 17347258, 18930999).

Literature cited by the submitters: PubMed 17347258; PubMed 18930999.